The following is an entry in ClinVar:

ClinVar aggregate classification (germline): Uncertain significance. Review status: criteria provided, multiple submitters, no conflicts (2 of 4 stars). 3 submissions from 3 submitters: Uncertain significance (3). Last evaluated 2025-08-14.

Conditions:
Inborn genetic diseases. Identifiers: MedGen C0950123, MeSH D030342.
Mitochondrial disease. Also called: Mitochondrial disorders; Mitochondrial disorder. Identifiers: Orphanet 68380, MedGen C0751651, MeSH D028361, MONDO:0044970.

Allele frequency attached by ClinVar (database versions not stated): TOPMed 0.00002; gnomAD 0.00003; ExAC 0.00004; gnomAD exomes 0.00004.
gnomAD v4.1: 65 of 1,611,446 alleles (0.004%); highest among the groups gnomAD compares: Non-Finnish European, 0.0051%; 1 homozygote.

Submissions (3):

Labcorp Genetics (formerly Invitae), Labcorp
Classification: Uncertain significance. Last evaluated: 2025-08-14. Review status: criteria provided, single submitter. Criteria: Invitae Variant Classification Sherloc (09022015). Collection method: clinical testing. Allele origin: germline.
Comment: This sequence change replaces arginine, which is basic and polar, with histidine, which is basic and polar, at codon 316 of the AARS2 protein (p.Arg316His). This variant is present in population databases (rs757708179, gnomAD 0.01%). This variant has not been reported in the literature in individuals affected with AARS2-related conditions. ClinVar contains an entry for this variant (Variation ID: 2183564). Invitae Evidence Modeling of protein sequence and biophysical properties (such as structural, functional, and spatial information, amino acid conservation, physicochemical variation, residue mobility, and thermodynamic stability) indicates that this missense variant is not expected to disrupt AARS2 protein function with a negative predictive value of 80%. In summary, the available evidence is currently insufficient to determine the role of this variant in disease. Therefore, it has been classified as a Variant of Uncertain Significance.

Ambry Genetics
Classification: Uncertain significance for Inborn genetic diseases. Last evaluated: 2024-07-10. Review status: criteria provided, single submitter. Criteria: Ambry Variant Classification Scheme 2023. Collection method: clinical testing. Allele origin: germline.

Department of Pathology and Laboratory Medicine, Sinai Health System
Classification: Uncertain significance for mitochondrial disease. Last evaluated: 2020-08-20. Review status: criteria provided, single submitter. Criteria: ACMG Guidelines, 2015. Collection method: research. Allele origin: germline.

NM_020745.4(AARS2):c.947G>A (p.Arg316His)

Gene: AARS2 (alanyl-tRNA synthetase 2, mitochondrial; minus strand). Cytogenetic location: 6p21.1.
Variant type: single nucleotide variant.
Coding change: c.947G>A on transcript NM_020745.4 (MANE Select); coding-DNA position 947, G replaced by A.
Protein change: p.Arg316His; replaces arginine 316 with histidine.
Molecular consequence: missense variant.
Genome position (GRCh38, 1-based): chr6:44,307,342, C>T on the plus strand (G>A on the coding strand, the complement: AARS2 is on the minus strand). VCF-style: chr6-44307342-C-T. GRCh37 (hg19) VCF-style: chr6-44275079-C-T.
Other names: c.947G>A (NM_020745.2); short protein forms R316H.
Identifiers: ClinVar variation 2183564 (VCV002183564.5), dbSNP rs757708179, ClinGen allele CA3834504.